The following is an entry in ClinVar:

NM_016955.4(SEPSECS):c.1496C>T (p.Ala499Val)

Gene: SEPSECS (Sep (O-phosphoserine) tRNA:Sec (selenocysteine) tRNA synthase; minus strand). Cytogenetic location: 4p15.2.
Variant type: single nucleotide variant.
Coding change: c.1496C>T on transcript NM_016955.4 (MANE Select); coding-DNA position 1496, C replaced by T.
Protein change: p.Ala499Val; replaces alanine 499 with valine.
Molecular consequence: missense variant.
Genome position (GRCh38, 1-based): chr4:25,123,941, G>A on the plus strand (C>T on the coding strand, the complement: SEPSECS is on the minus strand). VCF-style: chr4-25123941-G-A. GRCh37 (hg19) VCF-style: chr4-25125563-G-A.
Other names: c.1496C>T (NM_016955.3); short protein forms A499V.
Identifiers: ClinVar variation 1393721 (VCV001393721.4), dbSNP rs41267445, ClinGen allele CA2877129.

ClinVar aggregate classification (germline): Uncertain significance. Review status: criteria provided, multiple submitters, no conflicts (2 of 4 stars). 2 submissions from 2 submitters: Uncertain significance (2). Last evaluated 2023-10-17.

Conditions:
Inborn genetic diseases. Identifiers: MedGen C0950123, MeSH D030342.

Allele frequency attached by ClinVar (database versions not stated): TOPMed 0.00006; ESP Exome Variant Server 0.00008; 1000 Genomes Project 30x 0.00031; gnomAD 0.00006.
gnomAD v4.1: 82 of 1,613,054 alleles (0.0051%); highest among the groups gnomAD compares: Non-Finnish European, 0.0063%; no homozygotes.

Submissions (2):

Ambry Genetics
Classification: Uncertain significance for Inborn genetic diseases. Last evaluated: 2023-10-17. Review status: criteria provided, single submitter. Criteria: Ambry Variant Classification Scheme 2023. Collection method: clinical testing. Allele origin: germline.

Labcorp Genetics (formerly Invitae), Labcorp
Classification: Uncertain significance. Last evaluated: 2021-11-25. Review status: criteria provided, single submitter. Criteria: Invitae Variant Classification Sherloc (09022015). Collection method: clinical testing. Allele origin: germline.
Comment: This sequence change replaces alanine, which is neutral and non-polar, with valine, which is neutral and non-polar, at codon 499 of the SEPSECS protein (p.Ala499Val). This variant is present in population databases (rs41267445, gnomAD 0.02%). This variant has not been reported in the literature in individuals affected with SEPSECS-related conditions. Algorithms developed to predict the effect of missense changes on protein structure and function output the following: SIFT: "Tolerated"; PolyPhen-2: "Benign"; Align-GVGD: "Class C0". The valine amino acid residue is found in multiple mammalian species, which suggests that this missense change does not adversely affect protein function. In summary, the available evidence is currently insufficient to determine the role of this variant in disease. Therefore, it has been classified as a Variant of Uncertain Significance.